The following is an entry in ClinVar:

ClinVar aggregate classification (germline): Uncertain significance (1 of 4 stars; one submission).

Submission:

GeneDx
Classification: Uncertain significance. Last evaluated: 2026-02-27. Review status: criteria provided, single submitter. Criteria: GeneDx Variant Classification Process June 2021. Collection method: clinical testing. Allele origin: germline.
Comment: Not observed at significant frequency in large population cohorts (gnomAD); In-frame duplication of 2 amino acid(s) in a non-repeat region; Has not been previously published as pathogenic or benign to our knowledge

NM_006237.4(POU4F1):c.729_734dup (p.Ala245_Ala246insSerAla)

Genes: OBI1-AS1 (OBI1 antisense RNA 1; plus strand), POU4F1 (POU class 4 homeobox 1; minus strand). Cytogenetic location: 13q31.1.
Variant type: Duplication.
Coding change: c.729_734dup on transcript NM_006237.4 (MANE Select); coding-DNA positions 729 to 734, 6 bases duplicated (ATCGGC; older notation c.729_734dupATCGGC).
Protein change: p.Ala245_Ala246insSerAla.
Molecular consequence: inframe insertion.
Genome position (GRCh38, 1-based): chr13:78,601,941-78,601,946, GCCGAT duplicated on the plus strand (ATCGGC on the coding strand, the reverse complement: POU4F1 is on the minus strand); duplicating any 6 consecutive bases within chr13:78,601,941-78,601,950 gives the same sequence; the c. name uses the placement nearest the transcript's 3' end. VCF-style (leftmost placement, unchanged base first): chr13-78601940-C-CGCCGAT. GRCh37 (hg19) VCF-style: chr13-79176075-C-CGCCGAT.
Identifiers: ClinVar variation 5008237 (VCV005008237.1).